The following is an entry in ClinVar:

NC_000003.12:g.(?_10141848)_(10143024_?)del

Gene: VHL (von Hippel-Lindau tumor suppressor; plus strand). Cytogenetic location: 3p25.3.
Variant type: Deletion.
Identifiers: ClinVar variation 830486 (VCV000830486.7).

ClinVar aggregate classification (germline): Pathogenic (1 of 4 stars; one submission).

Conditions:
Chuvash polycythemia. Also called: POLYCYTHEMIA, VHL-DEPENDENT. Identifiers: Orphanet 238557, MedGen C1837915, MONDO:0009892, OMIM 263400.
Von Hippel-Lindau syndrome (VHLS). Also called: VHL syndrome; Von Hippel-Lindau; von Hippel–Lindau syndrome. Identifiers: Orphanet 892, MedGen C0019562, MONDO:0008667, OMIM 193300. Disease mechanism: loss of function.

Submission:

Labcorp Genetics (formerly Invitae), Labcorp
Classification: Pathogenic for Von Hippel-Lindau syndrome; Chuvash polycythemia. Last evaluated: 2022-09-26. Review status: criteria provided, single submitter. Criteria: Invitae Variant Classification Sherloc (09022015). Collection method: clinical testing. Allele origin: germline.
Comment: This variant is a gross deletion of the genomic region encompassing exon(s) 1 of the VHL gene, which includes the initiator codon. This deletion extends beyond the assayed region for this gene and therefore may encompass additional genes. It is expected to result in an absent or disrupted protein product. Loss-of-function variants in VHL are known to be pathogenic (PMID: 8956040, 12202531, 29891534, 31350093). A similar copy number variant has been observed in individual(s) with von Hippel-Lindau syndrome (PMID: 8069305, 10830910, 19764026). For these reasons, this variant has been classified as Pathogenic.

Literature cited by the submitters: PubMed 8956040; PubMed 12202531; PubMed 29891534; PubMed 31350093; PubMed 8069305; PubMed 10830910; PubMed 19764026.